The following is an entry in ClinVar:

ClinVar aggregate classification (germline): Uncertain significance. Review status: criteria provided, multiple submitters, no conflicts (2 of 4 stars). 2 submissions from 2 submitters: Uncertain significance (2). Last evaluated 2023-10-15.

Conditions:
Neurofibromatosis, type 2 (SWNV). Also called: BILATERAL ACOUSTIC NEUROFIBROMATOSIS; SCHWANNOMATOSIS, VESTIBULAR; NF2-Related Schwannomatosis. Identifiers: Orphanet 637, MedGen C0027832, MONDO:0007039, OMIM 101000. Disease mechanism: loss of function.
Hereditary cancer-predisposing syndrome. Also called: Hereditary neoplastic syndrome; Hereditary Cancer Syndrome; Tumor predisposition; Neoplastic Syndromes, Hereditary. Identifiers: Orphanet 140162, MedGen C0027672, MeSH D009386, MONDO:0015356.

Allele frequency attached by ClinVar (database versions not stated): gnomAD 0.00001; 1000 Genomes Project 30x 0.00016.
gnomAD v4.1: 1 of 1,614,076 alleles (0.000062%); highest among the groups gnomAD compares: South Asian, 0.0011%; no homozygotes.

Submissions (2):

Ambry Genetics
Classification: Uncertain significance for Hereditary cancer-predisposing syndrome. Last evaluated: 2023-10-15. Review status: criteria provided, single submitter. Criteria: Ambry Variant Classification Scheme 2023. Collection method: clinical testing. Allele origin: germline.
Comment: The p.P135S variant (also known as c.403C>T), located in coding exon 4 of the NF2 gene, results from a C to T substitution at nucleotide position 403. The proline at codon 135 is replaced by serine, an amino acid with similar properties. This amino acid position is conserved. In addition, the in silico prediction for this alteration is inconclusive. Since supporting evidence is limited at this time, the clinical significance of this alteration remains unclear.

Revvity Omics, Revvity
Classification: Uncertain significance for Neurofibromatosis, type 2. Last evaluated: 2022-12-02. Review status: criteria provided, single submitter. Criteria: ACMG Guidelines, 2015. Collection method: clinical testing. Allele origin: germline.

NM_000268.4(NF2):c.403C>T (p.Pro135Ser)

Gene: NF2 (NF2, moesin-ezrin-radixin like (MERLIN) tumor suppressor; plus strand). Cytogenetic location: 22q12.2.
Variant type: single nucleotide variant.
Coding change: c.403C>T on transcript NM_000268.4 (MANE Select); coding-DNA position 403, C replaced by T.
Protein change: p.Pro135Ser; replaces proline 135 with serine.
Molecular consequence: missense variant. On other transcripts: non-coding transcript variant (1).
Genome position (GRCh38, 1-based): chr22:29,642,241, C>T. VCF-style: chr22-29642241-C-T. GRCh37 (hg19) VCF-style: chr22-30038230-C-T.
Other names: c.289C>T, p.Pro97Ser (NM_001407053.1, NM_001407056.1); c.280C>T, p.Pro94Ser (NM_001407054.1, NM_001407058.1, NM_001407062.1 and 1 more transcripts); c.277C>T, p.Pro93Ser (NM_001407055.1, NM_181828.3); c.403C>T, p.Pro135Ser (NM_001407057.1, NM_001407059.1, NM_001407060.1 and 5 more transcripts); c.154C>T, p.Pro52Ser (NM_001407063.1, NM_001407064.1, NM_181830.3 and 1 more transcripts); c.-238C>T (NM_001407065.1); c.172C>T, p.Pro58Ser (NM_001407067.1); short protein forms P135S, P52S, P58S, P93S, P94S, P97S.
Identifiers: ClinVar variation 2434338 (VCV002434338.4), dbSNP rs2146893644, ClinGen allele CA411153803.